The following is an entry in ClinVar:

ClinVar aggregate classification (germline): Likely benign. Review status: criteria provided, multiple submitters, no conflicts (2 of 4 stars). 2 submissions from 2 submitters: Likely benign (2). Last evaluated 2026-07-01.

Conditions:
Inborn genetic diseases. Identifiers: MedGen C0950123, MeSH D030342.

Allele frequency attached by ClinVar (database versions not stated): gnomAD exomes below 0.00001.
gnomAD v4.1: 1 of 1,613,654 alleles (0.000062%); highest among the groups gnomAD compares: Non-Finnish European, 0.000085%; no homozygotes.

Submissions (2):

CeGaT Center for Human Genetics Tuebingen
Classification: Likely benign. Last evaluated: 2026-07-01. Review status: criteria provided, single submitter. Criteria: CeGaT Center For Human Genetics Tuebingen Variant Classification Criteria Version 2. Collection method: clinical testing. Allele origin: germline. Affected: yes. Observed: 1 variant allele.
Comment: LRRK2: BP4, BP7

Ambry Genetics
Classification: Likely benign for Inborn genetic diseases. Last evaluated: 2020-12-11. Review status: criteria provided, single submitter. Criteria: Ambry Variant Classification Scheme 2023. Collection method: clinical testing. Allele origin: germline.

NM_198578.4(LRRK2):c.3843A>G (p.Leu1281=)

Gene: LRRK2 (leucine rich repeat kinase 2; plus strand). Cytogenetic location: 12q12.
Variant type: single nucleotide variant.
Coding change: c.3843A>G on transcript NM_198578.4 (MANE Select); coding-DNA position 3843, A replaced by G.
Protein change: p.Leu1281=; no amino-acid change (leucine 1281 retained).
Molecular consequence: synonymous variant.
Genome position (GRCh38, 1-based): chr12:40,305,850, A>G. VCF-style: chr12-40305850-A-G. GRCh37 (hg19) VCF-style: chr12-40699652-A-G.
Identifiers: ClinVar variation 1735449 (VCV001735449.3), dbSNP rs2499794860, ClinGen allele CA479255645.
Genomic context (GRCh38, chr12:40,305,850, plus strand): 5'-TCCTGAGATTGGCTGTCTTGAAAATCTGACATCTCTGGATGTCAGTTACAACTTGGAACT[A>G]AGATCCTTTCCCAATGAAATGGGGAAATTAAGCAAAATATGGGATCTTCCTTTGGATGAA-3'
Protein context (NP_940980.4, residues 1271-1291): TSLDVSYNLE[Leu1281=]RSFPNEMGKL